The following is an entry in ClinVar:

ClinVar aggregate classification (germline): Pathogenic (1 of 4 stars; one submission).

Conditions:
Neurofibromatosis, type 1 (NF1). Also called: VON RECKLINGHAUSEN DISEASE; NEUROFIBROMATOSIS, TYPE I, SOMATIC; Neurofibromatosis, type I; Peripheral type neurofibromatosis. Identifiers: Orphanet 636, MedGen C0027831, MONDO:0018975, OMIM 162200. Disease mechanism: loss of function.

Submission:

Labcorp Genetics (formerly Invitae), Labcorp
Classification: Pathogenic for Neurofibromatosis, type 1. Last evaluated: 2023-02-06. Review status: criteria provided, single submitter. Criteria: Invitae Variant Classification Sherloc (09022015). Collection method: clinical testing. Allele origin: germline.
Comment: This sequence change creates a premature translational stop signal (p.Ser139Phefs*14) in the NF1 gene. It is expected to result in an absent or disrupted protein product. Loss-of-function variants in NF1 are known to be pathogenic (PMID: 10712197, 23913538). This variant is not present in population databases (gnomAD no frequency). This variant has not been reported in the literature in individuals affected with NF1-related conditions. For these reasons, this variant has been classified as Pathogenic.

Literature cited by the submitters: PubMed 10712197; PubMed 23913538.

NM_001042492.3(NF1):c.416_423del (p.Ser139fs)

Gene: NF1 (neurofibromin 1; plus strand). Cytogenetic location: 17q11.2.
Variant type: Deletion.
Coding change: c.416_423del on transcript NM_001042492.3 (MANE Select); coding-DNA positions 416 to 423, 8 bases deleted (CTGGGGTT; older notation c.416_423delCTGGGGTT).
Protein change: p.Ser139fs; shifts the reading frame from serine 139.
Molecular consequence: frameshift variant.
Genome position (GRCh38, 1-based): chr17:31,163,313-31,163,320, CTGGGGTT deleted; deleting any 8 consecutive bases within chr17:31,163,312-31,163,320 gives the same sequence; the c. name uses the placement nearest the transcript's 3' end. VCF-style (leftmost placement, unchanged base first): chr17-31163311-CTCTGGGGT-C. GRCh37 (hg19) VCF-style: chr17-29490329-CTCTGGGGT-C.
Other names: c.416_423delCTGGGGTT, p.Ser139Phefs (NM_000267.4); c.416_423del, p.Ser139fs (NM_001128147.3); short protein forms S139fs.
Identifiers: ClinVar variation 2834940 (VCV002834940.3), dbSNP rs2544701247, ClinGen allele CA2739267315.